The following is an entry in ClinVar:

ClinVar aggregate classification (germline): Uncertain significance (1 of 4 stars; one submission).

gnomAD v4.1: 1 of 1,614,044 alleles (0.000062%); highest among the groups gnomAD compares: Non-Finnish European, 0.000085%; no homozygotes.

Submission:

Women's Health and Genetics/Laboratory Corporation of America, LabCorp
Classification: Uncertain significance. Last evaluated: 2023-11-13. Review status: criteria provided, single submitter. Criteria: LabCorp Variant Classification Summary - May 2015. Collection method: clinical testing. Allele origin: germline.
Comment: Variant summary: RHOBTB2 c.1540G>C (p.Glu514Gln) results in a conservative amino acid change located in the BTB/POZ domain (IPR000210) of the encoded protein sequence. Three of five in-silico tools predict a damaging effect of the variant on protein function. The variant was absent in 250402 control chromosomes (gnomAD). The available data on variant occurrences in the general population are insufficient to allow any conclusion about variant significance. To our knowledge, no occurrence of c.1540G>C in individuals affected with Developmental And Epileptic Encephalopathy, 64 and no experimental evidence demonstrating its impact on protein function have been reported. No submitters have cited clinical-significance assessments for this variant to ClinVar after 2014. Based on the evidence outlined above, the variant was classified as uncertain significance.

NM_015178.3(RHOBTB2):c.1474G>C (p.Glu492Gln)

Gene: RHOBTB2 (Rho related BTB domain containing 2; plus strand). Cytogenetic location: 8p21.3.
Variant type: single nucleotide variant.
Coding change: c.1474G>C on transcript NM_015178.3 (MANE Select); coding-DNA position 1474, G replaced by C.
Protein change: p.Glu492Gln; replaces glutamic acid 492 with glutamine.
Molecular consequence: missense variant.
Genome position (GRCh38, 1-based): chr8:23,007,719, G>C. VCF-style: chr8-23007719-G-C. GRCh37 (hg19) VCF-style: chr8-22865232-G-C.
Other names: c.1540G>C, p.Glu514Gln (NM_001160036.2); c.1495G>C, p.Glu499Gln (NM_001160037.2); c.1474G>C, p.Glu492Gln (NM_001374791.1); short protein forms E492Q, E499Q, E514Q.
Identifiers: ClinVar variation 2682482 (VCV002682482.1), dbSNP rs1307684861, ClinGen allele CA370569485.